The following is an entry in ClinVar:

ClinVar aggregate classification (germline): Uncertain significance (1 of 4 stars; one submission).

Conditions:
Dilated cardiomyopathy 1DD (CMD1DD). Identifiers: Orphanet 154, MedGen C2750995, MONDO:0013168, OMIM 613172.

Submission:

Labcorp Genetics (formerly Invitae), Labcorp
Classification: Uncertain significance for Dilated cardiomyopathy 1DD. Last evaluated: 2024-02-14. Review status: criteria provided, single submitter. Criteria: Invitae Variant Classification Sherloc (09022015). Collection method: clinical testing. Allele origin: germline.
Comment: This sequence change replaces alanine, which is neutral and non-polar, with glycine, which is neutral and non-polar, at codon 301 of the RBM20 protein (p.Ala301Gly). This variant is not present in population databases (gnomAD no frequency). This variant has not been reported in the literature in individuals affected with RBM20-related conditions. Advanced modeling of protein sequence and biophysical properties (such as structural, functional, and spatial information, amino acid conservation, physicochemical variation, residue mobility, and thermodynamic stability) performed at Invitae indicates that this missense variant is not expected to disrupt RBM20 protein function with a negative predictive value of 95%. In summary, the available evidence is currently insufficient to determine the role of this variant in disease. Therefore, it has been classified as a Variant of Uncertain Significance.

NM_001134363.3(RBM20):c.902C>G (p.Ala301Gly)

Gene: RBM20 (RNA binding motif protein 20; plus strand). Cytogenetic location: 10q25.2.
Variant type: single nucleotide variant.
Coding change: c.902C>G on transcript NM_001134363.3 (MANE Select); coding-DNA position 902, C replaced by G.
Protein change: p.Ala301Gly; replaces alanine 301 with glycine.
Molecular consequence: missense variant.
Genome position (GRCh38, 1-based): chr10:110,781,511, C>G. VCF-style: chr10-110781511-C-G. GRCh37 (hg19) VCF-style: chr10-112541269-C-G.
Other names: short protein forms A301G.
Identifiers: ClinVar variation 3636961 (VCV003636961.2).